The following is an entry in ClinVar:

NM_000419.5(ITGA2B):c.2449-11C>T

Gene: ITGA2B (integrin subunit alpha 2b; minus strand). Cytogenetic location: 17q21.31.
Variant type: single nucleotide variant.
Coding change: c.2449-11C>T on transcript NM_000419.5 (MANE Select); 11 bases into the intron before coding-DNA position 2449, C replaced by T.
Molecular consequence: intron variant.
Genome position (GRCh38, 1-based): chr17:44,375,996, G>A on the plus strand (C>T on the coding strand, the complement: ITGA2B is on the minus strand). VCF-style: chr17-44375996-G-A. GRCh37 (hg19) VCF-style: chr17-42453364-G-A.
Identifiers: ClinVar variation 888827 (VCV000888827.12), dbSNP rs201702898, ClinGen allele CA8602674.
Genomic context (GRCh38, chr17:44,375,996, plus strand): 5'-TGGATGCTGAGGTGAAGACCATTCACAGTCCCAGGGCCATTGTTGTGGAGCTGAAGGGGT[G>A]GTGGTGGCAGGGTGTGGGGAGCTTAGCGCCTCACCCGGAGTTCTGAGGACCCGCTCACCC-3'

ClinVar aggregate classification (germline): Likely benign. Review status: reviewed by expert panel (3 of 4 stars). 5 submissions from 5 submitters: Likely benign (1). 4 of the submissions do not count toward it. Last evaluated 2025-03-06.

Conditions:
Glanzmann thrombasthenia. Also called: THROMBASTHENIA OF GLANZMANN AND NAEGELI; Thrombasthenia; PLATELET GLYCOPROTEIN IIb-IIIa DEFICIENCY; Glanzmann's thrombasthenia. Identifiers: Orphanet 849, MedGen C0040015, MONDO:0100326.

Allele frequency attached by ClinVar (database versions not stated): gnomAD exomes 0.00011 and 0.00018; ExAC 0.00023; gnomAD 0.00026 and 0.00030; TOPMed 0.00037; ESP Exome Variant Server 0.00046; 1000 Genomes Project 0.00080; 1000 Genomes Project 30x 0.00094.
gnomAD v4.1: 206 of 1,614,104 alleles (0.013%); highest among the groups gnomAD compares: African/African-American, 0.096%; no homozygotes.

Submissions (5):

ClinGen Platelet Disorders Variant Curation Expert Panel, ClinGen
Classification: Likely benign for Glanzmann thrombasthenia. Last evaluated: 2025-03-06. Review status: reviewed by expert panel. Criteria: ClinGen Platelet ACMG Specifications v2-1. Collection method: curation. Allele origin: germline. Inheritance: Autosomal recessive inheritance.
Comment: The NM_000419.5(ITGA2B):c.2449-11C>T variant is a intronic variant variant that is not predicted by SpliceAI to impact splicing and the nucleotide is only moderately conserved, as shown by phyloP score of 1.044 (BP4, BP7). The highest population minor allele frequency in gnomAD v3.1.2 is 0.0007726 (32/41418 alleles) in the African/African American population. This intermediate allele frequency is lower than the ClinGen PD VCEP threshold (>0.00158) for BS1 but higher than the threshold (<0.0001) for PM2_Supporting so no allele frequency criteria were met. In addition, no cases of the variant segregating with Glanzmann thrombasthenia were found in the literature. In summary, this variant meets the criteria to be classified as likely benign for autosomal recessive Glanzmann Thrombasthenia with the following ACMG/AMP applied, as specified by the ClinGen PD VCEP: BP4, BP7 (VCEP specifications version 2.1)

Labcorp Genetics (formerly Invitae), Labcorp
Classification: Likely benign for Glanzmann thrombasthenia. Last evaluated: 2026-01-20. Review status: criteria provided, single submitter. Criteria: Invitae Variant Classification Sherloc (09022015). Collection method: clinical testing. Allele origin: germline. Not counted in ClinVar's aggregate classification.

Women's Health and Genetics/Laboratory Corporation of America, LabCorp
Classification: Likely benign. Last evaluated: 2025-05-12. Review status: criteria provided, single submitter. Criteria: LabCorp Variant Classification Summary - May 2015. Collection method: clinical testing. Allele origin: germline. Not counted in ClinVar's aggregate classification.

Blueprint Genetics
Classification: Likely benign. Last evaluated: 2022-12-27. Review status: criteria provided, single submitter. Criteria: ACMG Guidelines, 2015. Collection method: clinical testing. Allele origin: germline. Not counted in ClinVar's aggregate classification.

Illumina Laboratory Services, Illumina
Classification: Uncertain significance for Glanzmann thrombasthenia 1. Last evaluated: 2018-01-13. Review status: criteria provided, single submitter. Criteria: ICSL Variant Classification Criteria 13 December 2019. Collection method: clinical testing. Allele origin: germline. Not counted in ClinVar's aggregate classification.